The following is an entry in ClinVar:

NM_000465.4(BARD1):c.1740A>T (p.Glu580Asp)

Gene: BARD1 (BRCA1 associated RING domain 1; minus strand). Cytogenetic location: 2q35.
Variant type: single nucleotide variant.
Coding change: c.1740A>T on transcript NM_000465.4 (MANE Select); coding-DNA position 1740, A replaced by T.
Protein change: p.Glu580Asp; replaces glutamic acid 580 with aspartic acid.
Molecular consequence: missense variant. On other transcripts: non-coding transcript variant (3), intron variant (1).
Genome position (GRCh38, 1-based): chr2:214,745,792, T>A on the plus strand (A>T on the coding strand, the complement: BARD1 is on the minus strand). VCF-style: chr2-214745792-T-A. GRCh37 (hg19) VCF-style: chr2-215610516-T-A.
Other names: c.1683A>T, p.Glu561Asp (NM_001282543.2); c.387A>T, p.Glu129Asp (NM_001282545.2); c.330A>T, p.Glu110Asp (NM_001282548.2); c.365-15284A>T (NM_001282549.2); short protein forms E110D, E580D, E561D, E129D.
Identifiers: ClinVar variation 1779183 (VCV001779183.2), dbSNP rs1693081657, ClinGen allele CA350453030.

ClinVar aggregate classification (germline): Uncertain significance (1 of 4 stars; one submission).

Conditions:
Hereditary cancer-predisposing syndrome. Also called: Neoplastic Syndromes, Hereditary; Tumor predisposition; Hereditary Cancer Syndrome; Hereditary neoplastic syndrome. Identifiers: Orphanet 140162, MedGen C0027672, MeSH D009386, MONDO:0015356.

Submission:

Ambry Genetics
Classification: Uncertain significance for Hereditary cancer-predisposing syndrome. Last evaluated: 2018-09-11. Review status: criteria provided, single submitter. Criteria: Ambry Variant Classification Scheme 2023. Collection method: clinical testing. Allele origin: germline.
Comment: The p.E580D variant (also known as c.1740A>T), located in coding exon 8 of the BARD1 gene, results from an A to T substitution at nucleotide position 1740. The glutamic acid at codon 580 is replaced by aspartic acid, an amino acid with highly similar properties. This amino acid position is not well conserved in available vertebrate species. In addition, this alteration is predicted to be tolerated by in silico analysis. Since supporting evidence is limited at this time, the clinical significance of this alteration remains unclear.